The following is an entry in ClinVar:

ClinVar aggregate classification (germline): Uncertain significance (1 of 4 stars; one submission).

Submission:

Labcorp Genetics (formerly Invitae), Labcorp
Classification: Uncertain significance. Last evaluated: 2022-02-08. Review status: criteria provided, single submitter. Criteria: Invitae Variant Classification Sherloc (09022015). Collection method: clinical testing. Allele origin: germline.
Comment: This sequence change replaces proline, which is neutral and non-polar, with serine, which is neutral and polar, at codon 1629 of the PTPN23 protein (p.Pro1629Ser). This variant is not present in population databases (gnomAD no frequency). This variant has not been reported in the literature in individuals affected with PTPN23-related conditions. Algorithms developed to predict the effect of missense changes on protein structure and function are either unavailable or do not agree on the potential impact of this missense change (SIFT: "Tolerated"; PolyPhen-2: "Not Available"; Align-GVGD: "Class C0"). In summary, the available evidence is currently insufficient to determine the role of this variant in disease. Therefore, it has been classified as a Variant of Uncertain Significance.

NM_015466.4(PTPN23):c.4885C>T (p.Pro1629Ser)

Gene: PTPN23 (protein tyrosine phosphatase non-receptor type 23; plus strand). Cytogenetic location: 3p21.31.
Variant type: single nucleotide variant.
Coding change: c.4885C>T on transcript NM_015466.4 (MANE Select); coding-DNA position 4885, C replaced by T.
Protein change: p.Pro1629Ser; replaces proline 1629 with serine.
Molecular consequence: missense variant.
Genome position (GRCh38, 1-based): chr3:47,413,159, C>T. VCF-style: chr3-47413159-C-T. GRCh37 (hg19) VCF-style: chr3-47454649-C-T.
Other names: c.4507C>T, p.Pro1503Ser (NM_001304482.2); short protein forms P1503S, P1629S.
Identifiers: ClinVar variation 1512890 (VCV001512890.3), dbSNP rs2107730705, ClinGen allele CA352569527.